The following is an entry in ClinVar:

ClinVar aggregate classification (germline): Uncertain significance. Review status: criteria provided, multiple submitters, no conflicts (2 of 4 stars). 4 submissions from 4 submitters: Uncertain significance (4). Last evaluated 2025-06-11.

Conditions:
Familial thoracic aortic aneurysm and aortic dissection (TAAD). Also called: Thoracic aortic aneurysms and dissections. Identifiers: Orphanet 91387, MedGen C4707243, MONDO:0019625.
Aortic aneurysm, familial thoracic 4 (AAT4). Also called: AORTIC ANEURYSM/AORTIC DISSECTION AND PATENT DUCTUS ARTERIOSUS. Identifiers: MedGen C1851504, MONDO:0007568, OMIM 132900.

Allele frequency attached by ClinVar (database versions not stated): gnomAD exomes below 0.00001; ExAC 0.00001; gnomAD 0.00001; TOPMed 0.00002.
gnomAD v4.1: 17 of 1,614,034 alleles (0.0011%); highest among the groups gnomAD compares: East Asian, 0.0022%; no homozygotes.

Submissions (4):

Color Diagnostics, LLC DBA Color Health
Classification: Uncertain significance for Familial thoracic aortic aneurysm and aortic dissection. Last evaluated: 2025-06-11. Review status: criteria provided, single submitter. Criteria: ACMG Guidelines, 2015. Collection method: clinical testing. Allele origin: germline.
Comment: This missense variant replaces arginine with glutamine at codon 1336 of the MYH11 protein. Computational prediction suggests that this variant may have a deleterious impact on protein structure and function. To our knowledge, functional studies have not been reported for this variant. This variant has been reported in an individual affected with early-onset sporadic aortic dissection (PMID: 31731876). This variant has been identified in 1/251108 chromosomes in the general population by the Genome Aggregation Database (gnomAD). The available evidence is insufficient to determine the role of this variant in disease conclusively. Therefore, this variant is classified as a Variant of Uncertain Significance.

Labcorp Genetics (formerly Invitae), Labcorp
Classification: Uncertain significance for Aortic aneurysm, familial thoracic 4. Last evaluated: 2024-09-08. Review status: criteria provided, single submitter. Criteria: Invitae Variant Classification Sherloc (09022015). Collection method: clinical testing. Allele origin: germline.
Comment: This sequence change replaces arginine, which is basic and polar, with glutamine, which is neutral and polar, at codon 1336 of the MYH11 protein (p.Arg1336Gln). This variant is present in population databases (rs761662427, gnomAD 0.006%). This missense change has been observed in individual(s) with clinical features of MYH11-related conditions (PMID: 31731876). ClinVar contains an entry for this variant (Variation ID: 925442). Invitae Evidence Modeling of protein sequence and biophysical properties (such as structural, functional, and spatial information, amino acid conservation, physicochemical variation, residue mobility, and thermodynamic stability) indicates that this missense variant is not expected to disrupt MYH11 protein function with a negative predictive value of 95%. In summary, the available evidence is currently insufficient to determine the role of this variant in disease. Therefore, it has been classified as a Variant of Uncertain Significance.

All of Us Research Program, National Institutes of Health
Classification: Uncertain significance for Familial thoracic aortic aneurysm and aortic dissection. Last evaluated: 2023-12-01. Review status: criteria provided, single submitter. Criteria: ACMG Guidelines, 2015. Collection method: clinical testing. Allele origin: germline. Inheritance: Autosomal dominant inheritance. Observed: 7 variant alleles, 7 heterozygotes.
Comment: This missense variant replaces arginine with glutamine at codon 1336 of the MYH11 protein. Computational prediction suggests that this variant may have deleterious impact on protein structure and function (internally defined REVEL score threshold >= 0.7, PMID: 27666373). To our knowledge, functional studies have not been reported for this variant. This variant has been reported in an individual affected early-onset sporadic aortic dissection (PMID: 31731876). This variant has been identified in 1/251108 chromosomes in the general population by the Genome Aggregation Database (gnomAD). The available evidence is insufficient to determine the role of this variant in disease conclusively. Therefore, this variant is classified as a Variant of Uncertain Significance.

This study involves interpretation of variants in research participants for the purpose of population health screening. Participant phenotype was not available at the time of variant classification. Additional details can be found in publication PMID: 35346344, PMCID: PMC8962531

GeneDx
Classification: Uncertain significance. Last evaluated: 2020-03-20. Review status: criteria provided, single submitter. Criteria: GeneDx Variant Classification Process June 2021. Collection method: clinical testing. Allele origin: germline. Affected: yes.
Comment: Has not been previously published as pathogenic or benign to our knowledge; Not observed at a significant frequency in large population cohorts (Lek et al., 2016); In silico analysis supports that this missense variant has a deleterious effect on protein structure/function

Literature cited by the submitters: PubMed 31731876 (cited by 3 submitters).

NM_002474.3(MYH11):c.3986G>A (p.Arg1329Gln)

Genes: MYH11 (myosin heavy chain 11; minus strand), NDE1 (nudE neurodevelopment protein 1; plus strand). Cytogenetic location: 16p13.11.
Variant type: single nucleotide variant.
Coding change: c.3986G>A on transcript NM_002474.3 (MANE Select); coding-DNA position 3986, G replaced by A.
Protein change: p.Arg1329Gln; replaces arginine 1329 with glutamine.
Molecular consequence: missense variant. On other transcripts: 3 prime UTR variant (2).
Genome position (GRCh38, 1-based): chr16:15,724,777, C>T on the plus strand (G>A on the coding strand, the complement: MYH11 is on the minus strand). VCF-style: chr16-15724777-C-T. GRCh37 (hg19) VCF-style: chr16-15818634-C-T.
Other names: c.4007G>A, p.Arg1336Gln (NM_001040113.2, NM_001040114.2); c.3986G>A, p.Arg1329Gln (NM_022844.3); c.*526C>T (NM_001143979.2, NM_017668.3); short protein forms R1329Q, R1336Q.
Identifiers: ClinVar variation 925442 (VCV000925442.13), dbSNP rs761662427, ClinGen allele CA7921815.
Genomic context (GRCh38, chr16:15,724,777, plus strand): 5'-TGCAGGCTGTTCCGCTCCTCCTCCAGCTGGCGCAGCTTCGTAGACACGTTGAGCTTCTGC[C>T]GGGTTTCTTCTTGAAGCAGCTCCTGCAAAAGGGATGCAAAGAGGTCCCAGGGACCTGCCC-3'
Protein context (NP_002465.1, residues 1319-1339): DTQELLQEET[Arg1329Gln]QKLNVSTKLR